The following is an entry in ClinVar:

ClinVar aggregate classification (germline): Uncertain significance (1 of 4 stars; one submission).

Submission:

Labcorp Genetics (formerly Invitae), Labcorp
Classification: Uncertain significance. Last evaluated: 2022-09-01. Review status: criteria provided, single submitter. Criteria: Invitae Variant Classification Sherloc (09022015). Collection method: clinical testing. Allele origin: germline.
Comment: In summary, the available evidence is currently insufficient to determine the role of this variant in disease. Therefore, it has been classified as a Variant of Uncertain Significance. Algorithms developed to predict the effect of missense changes on protein structure and function (SIFT, PolyPhen-2, Align-GVGD) all suggest that this variant is likely to be tolerated. ClinVar contains an entry for this variant (Variation ID: 1015934). This variant has not been reported in the literature in individuals affected with POLE-related conditions. This variant is not present in population databases (gnomAD no frequency). This sequence change replaces glutamic acid, which is acidic and polar, with aspartic acid, which is acidic and polar, at codon 205 of the POLE protein (p.Glu205Asp).

NM_006231.4(POLE):c.615G>T (p.Glu205Asp)

Gene: POLE (DNA polymerase epsilon, catalytic subunit; minus strand). Cytogenetic location: 12q24.33.
Variant type: single nucleotide variant.
Coding change: c.615G>T on transcript NM_006231.4 (MANE Select); coding-DNA position 615, G replaced by T.
Protein change: p.Glu205Asp; replaces glutamic acid 205 with aspartic acid.
Molecular consequence: missense variant.
Genome position (GRCh38, 1-based): chr12:132,677,683, C>A on the plus strand (G>T on the coding strand, the complement: POLE is on the minus strand). VCF-style: chr12-132677683-C-A. GRCh37 (hg19) VCF-style: chr12-133254269-C-A.
Other names: short protein forms E205D.
Identifiers: ClinVar variation 1015934 (VCV001015934.8), dbSNP rs2043087419, ClinGen allele CA387365338.